The following is an entry in ClinVar:

NM_002303.6(LEPR):c.2597+15G>C

Gene: LEPR (leptin receptor; plus strand). Cytogenetic location: 1p31.3.
Variant type: single nucleotide variant.
Coding change: c.2597+15G>C on transcript NM_002303.6 (MANE Select); 15 bases into the intron after coding-DNA position 2597, G replaced by C.
Molecular consequence: intron variant.
Genome position (GRCh38, 1-based): chr1:65,621,473, G>C. VCF-style: chr1-65621473-G-C. GRCh37 (hg19) VCF-style: chr1-66087156-G-C.
Other names: c.2597+15G>C (NM_001003679.3, NM_001003680.3, NM_001198689.2 and 2 more transcripts).
Identifiers: ClinVar variation 804989 (VCV000804989.15), dbSNP rs6693573, ClinGen allele CA895044.

ClinVar aggregate classification (germline): Benign/Likely benign. Review status: criteria provided, multiple submitters, no conflicts (2 of 4 stars). 5 submissions from 5 submitters: Benign (3); Likely benign (2). Last evaluated 2026-02-01.

Conditions:
Obesity due to leptin receptor gene deficiency. Identifiers: Orphanet 179494, MedGen C3554225, MONDO:0013992, OMIM 614963.

Allele frequency attached by ClinVar (database versions not stated): gnomAD 0.01870; TOPMed 0.02168; ESP Exome Variant Server 0.02200; 1000 Genomes Project 0.02396; 1000 Genomes Project 30x 0.02420.
gnomAD v4.1: 5,741 of 1,605,308 alleles (0.36%); highest among the groups gnomAD compares: African/African-American, 6.3%; 168 homozygotes.

Submissions (5):

Labcorp Genetics (formerly Invitae), Labcorp
Classification: Benign. Last evaluated: 2026-02-01. Review status: criteria provided, single submitter. Criteria: Invitae Variant Classification Sherloc (09022015). Collection method: clinical testing. Allele origin: germline.

GeneDx
Classification: Benign. Last evaluated: 2020-10-23. Review status: criteria provided, single submitter. Criteria: GeneDx Variant Classification Process June 2021. Collection method: clinical testing. Allele origin: germline. Affected: yes.

Athena Diagnostics
Classification: Benign. Last evaluated: 2019-03-01. Review status: criteria provided, single submitter. Criteria: Athena Diagnostics Criteria. Collection method: clinical testing. Allele origin: germline.

Illumina Laboratory Services, Illumina
Classification: Likely benign for Obesity due to leptin receptor gene deficiency. Last evaluated: 2017-04-28. Review status: criteria provided, single submitter. Criteria: ICSL Variant Classification Criteria 13 December 2019. Collection method: clinical testing. Allele origin: germline.
Comment: This variant was observed as part of a predisposition screen in an ostensibly healthy population. A literature search was performed for the gene, cDNA change, and amino acid change (where applicable). Publications were found based on this search. The evidence from the literature, in combination with allele frequency data from public databases where available, was sufficient to determine this variant is unlikely to cause disease. Therefore, this variant is classified as likely benign.

Breakthrough Genomics
Classification: Likely benign. Review status: criteria provided, single submitter. Criteria: ACMG Guidelines, 2015. Collection method: not provided. Allele origin: germline. Inheritance: Autosomal recessive inheritance. Affected: yes.

Literature cited by the submitters: PubMed 24611737 (cited by Illumina Laboratory Services, Illumina).